The following is an entry in ClinVar:

NM_001101426.4(CRPPA):c.545C>A (p.Ala182Asp)

Gene: CRPPA (CDP-L-ribitol pyrophosphorylase A; minus strand). Cytogenetic location: 7p21.2.
Variant type: single nucleotide variant.
Coding change: c.545C>A on transcript NM_001101426.4 (MANE Select); coding-DNA position 545, C replaced by A.
Protein change: p.Ala182Asp; replaces alanine 182 with aspartic acid.
Molecular consequence: missense variant. On other transcripts: non-coding transcript variant (1), intron variant (1).
Genome position (GRCh38, 1-based): chr7:16,376,231, G>T on the plus strand (C>A on the coding strand, the complement: CRPPA is on the minus strand). VCF-style: chr7-16376231-G-T. GRCh37 (hg19) VCF-style: chr7-16415856-G-T.
Other names: c.545C>A, p.Ala182Asp (NM_001368197.1); c.534+29830C>A (NM_001101417.4); short protein forms A182D.
Identifiers: ClinVar variation 4293089 (VCV004293089.1).
Genomic context (GRCh38, chr7:16,376,231, plus strand): 5'-GAGTAGTCTAAGCAACCATCAGCAGATGGACTGACGACAGTAGATACAAGAGGTCGAATG[G>T]CTCCTGCTGCCTGAAGAACAAAGAGGCAAAGAATATATTTCACCTACAAGCCATTTTAAA-3'
Protein context (NP_001094896.1, residues 172-192): TAAKEHGAAG[Ala182Asp]IRPLVSTVVS

ClinVar aggregate classification (germline): Uncertain significance (1 of 4 stars; one submission).

Conditions:
Muscular dystrophy-dystroglycanopathy (congenital with brain and eye anomalies), type A, 7. Also called: WALKER-WARBURG SYNDROME OR MUSCLE-EYE-BRAIN DISEASE, ISPD-RELATED; Congenital muscular dystrophy-dystroglycanopathy with brain and eye anomalies, type A7. Identifiers: Orphanet 899, MedGen C3553330, MONDO:0013835, OMIM 614643.

Submission:

3billion
Classification: Uncertain significance for Muscular dystrophy-dystroglycanopathy (congenital with brain and eye anomalies), type A, 7. Last evaluated: 2025-01-21. Review status: criteria provided, single submitter. Criteria: ACMG Guidelines, 2015. Collection method: clinical testing. Allele origin: germline. Affected: yes.
Comment: The variant is not observed in the gnomAD v4.1.0 dataset. Predicted Consequence/Location: Missense variant. The majority of the known disease-causing variants of this gene are variants expected to result in premature termination of the protein. In silico tool predictions suggest damaging effect of the variant on gene or gene product [REVEL: 0.84 (>=0.6, sensitivity 0.68 and specificity 0.92)]. Therefore, this variant is classified as VUS according to the recommendation of ACMG/AMP guideline.